The following is an entry in ClinVar:

ClinVar aggregate classification (germline): Conflicting classifications of pathogenicity. Review status: criteria provided, conflicting classifications (1 of 4 stars). 6 submissions from 6 submitters: Uncertain significance (4); Likely benign (2). Last evaluated 2025-04-09.

Allele frequency attached by ClinVar (database versions not stated): ExAC 0.00001; gnomAD exomes 0.00001 and 0.00002; TOPMed 0.00001; gnomAD 0.00002.
gnomAD v4.1: 21 of 1,613,170 alleles (0.0013%); highest among the groups gnomAD compares: African/African-American, 0.004%; no homozygotes.

Submissions (6):

Molecular Diagnostic Laboratory for Inherited Cardiovascular Disease, Montreal Heart Institute
Classification: Likely benign. Last evaluated: 2025-04-09. Review status: criteria provided, single submitter. Criteria: ACMG Guidelines, 2015. Collection method: clinical testing. Allele origin: germline. Affected: no.
Comment: BP1

Blueprint Genetics
Classification: Likely benign. Last evaluated: 2024-07-04. Review status: criteria provided, single submitter. Criteria: ACMG Guidelines, 2015. Collection method: clinical testing. Allele origin: germline.

Mayo Clinic Laboratories, Mayo Clinic
Classification: Uncertain significance. Last evaluated: 2021-07-09. Review status: criteria provided, single submitter. Criteria: ACMG Guidelines, 2015. Collection method: clinical testing. Allele origin: germline.

Revvity Omics, Revvity
Classification: Uncertain significance. Last evaluated: 2021-05-31. Review status: criteria provided, single submitter. Criteria: ACMG Guidelines, 2015. Collection method: clinical testing. Allele origin: germline.

Laboratory for Molecular Medicine, Mass General Brigham Personalized Medicine
Classification: Uncertain significance. Last evaluated: 2018-02-02. Review status: criteria provided, single submitter. Criteria: LMM Criteria. Collection method: clinical testing. Allele origin: germline. Observed: 2 variant alleles.
Comment: The p.Ile20508Thr variant in TTN has not been previously reported in individuals with cardiomyopathy but it has been identified in 1/15274 African chromosomes b y the Genome Aggregation Database (gnomAD; dbS NP rs765930349). Computational prediction tools and conservation analysis sugges t that the p.Ile20508Thr variant may not impact the protein, though this informa tion is not predictive enough to rule out pathogenicity. In summary, the clinica l significance of the p.Ile20508Thr variant is uncertain. ACMG/AMP Criteria appl ied: BP4.

Eurofins Ntd Llc (ga)
Classification: Uncertain significance. Last evaluated: 2017-01-04. Review status: criteria provided, single submitter. Criteria: EGL Classification Definitions 2015. Collection method: clinical testing. Allele origin: germline. Observed: 2 variant alleles, 2 heterozygotes.

NM_001267550.2(TTN):c.69227T>C (p.Ile23076Thr)

Genes: TTN (titin; minus strand), TTN-AS1 (TTN antisense RNA 1; plus strand). Cytogenetic location: 2q31.2.
Variant type: single nucleotide variant.
Coding change: c.69227T>C on transcript NM_001267550.2 (MANE Select); coding-DNA position 69227, T replaced by C.
Protein change: p.Ile23076Thr; replaces isoleucine 23076 with threonine.
Molecular consequence: missense variant.
Genome position (GRCh38, 1-based): chr2:178,577,108, A>G on the plus strand (T>C on the coding strand, the complement: TTN is on the minus strand). VCF-style: chr2-178577108-A-G. GRCh37 (hg19) VCF-style: chr2-179441835-A-G.
Other names: p.Ile21435Thr; c.64304T>C, p.Ile21435Thr (NM_001256850.1); c.42032T>C, p.Ile14011Thr (NM_003319.4); c.42407T>C, p.Ile14136Thr (NM_133432.3); c.42608T>C, p.Ile14203Thr (NM_133437.4); c.61523T>C, p.Ile20508Thr (NM_133378.4); short protein forms I20508T, I23076T, I14011T, I14136T, I21435T, I14203T.
Identifiers: ClinVar variation 499027 (VCV000499027.17), dbSNP rs765930349, ClinGen allele CA1990964.